The following is an entry in ClinVar:

ClinVar aggregate classification (germline): Pathogenic/Likely pathogenic. Review status: criteria provided, multiple submitters, no conflicts (2 of 4 stars). 3 submissions from 3 submitters: Pathogenic (1); Likely pathogenic (1). 1 of the submissions does not count toward it. Last evaluated 2026-01-22.

Conditions:
Developmental and epileptic encephalopathy, 32 (DEE32). Also called: Epileptic encephalopathy, early infantile, 32. Identifiers: Orphanet 442835, MedGen C4225350, MONDO:0014607, OMIM 616366.
KCN2A-related disorder.

Submissions (3):

Variantyx, Inc.
Classification: Likely pathogenic for Developmental and epileptic encephalopathy, 32. Last evaluated: 2026-01-22. Review status: criteria provided, single submitter. Criteria: Variantyx Assertion Criteria 2022. Collection method: clinical testing. Allele origin: de novo. Inheritance: Autosomal dominant inheritance. Affected: yes.
Comment: This is a nonsynonymous variant in the KCNA2 gene (OMIM: 176262). Pathogenic variants in this gene have been associated with autosomal dominant developmental and epileptic encephalopathy 32. The variant lies within a known hotspot for pathogenic variants or a well-established critical functional domain of the KCNA2 protein (PMID: 25751627, 33802230, 29314583) (PM1) and multiple computational algorithms predict a deleterious effect for this variant (REVEL score: 0.915) (PP3). This variant is absent from control populations (PM2). Based on the current evidence, this variant is classified as likely pathogenic for autosomal dominant developmental and epileptic encephalopathy 32.

GeneDx
Classification: Pathogenic. Last evaluated: 2022-05-26. Review status: criteria provided, single submitter. Criteria: GeneDx Variant Classification Process June 2021. Collection method: clinical testing. Allele origin: germline. Affected: yes.
Comment: Not observed at significant frequency in large population cohorts (gnomAD); In silico analysis supports that this missense variant has a deleterious effect on protein structure/function; This variant is associated with the following publications: (PMID: 32533790, 28806589, 33802230)

Biochemical Molecular Genetic Laboratory, King Abdulaziz Medical City
Classification: Likely pathogenic for Developmental and epileptic encephalopathy, 32. Last evaluated: 2018-06-26. Review status: no assertion criteria provided. Collection method: clinical testing. Allele origin: germline. Affected: yes. Not counted in ClinVar's aggregate classification.

Literature cited by the submitters: PubMed 25751627 (cited by Variantyx, Inc.); PubMed 33802230 (cited by Variantyx, Inc.); PubMed 29314583 (cited by Variantyx, Inc.); PubMed 2533790 (cited by Variantyx, Inc.).

NM_004974.4(KCNA2):c.1195G>A (p.Val399Met)

Gene: KCNA2 (potassium voltage-gated channel subfamily A member 2; minus strand). Cytogenetic location: 1p13.3.
Variant type: single nucleotide variant.
Coding change: c.1195G>A on transcript NM_004974.4 (MANE Select); coding-DNA position 1195, G replaced by A.
Protein change: p.Val399Met; replaces valine 399 with methionine.
Molecular consequence: missense variant. On other transcripts: intron variant (1).
Genome position (GRCh38, 1-based): chr1:110,603,588, C>T on the plus strand (G>A on the coding strand, the complement: KCNA2 is on the minus strand). VCF-style: chr1-110603588-C-T. GRCh37 (hg19) VCF-style: chr1-111146210-C-T.
Other names: c.894+301G>A (NM_001204269.2); short protein forms V399M.
Identifiers: ClinVar variation 420845 (VCV000420845.6), dbSNP rs1064794738, ClinGen allele CA16616954.